The following is an entry in ClinVar:

NM_000030.3(AGXT):c.23_24delinsAT (p.Val8Asp)

Gene: AGXT (alanine--glyoxylate aminotransferase; plus strand). Cytogenetic location: 2q37.3.
Variant type: Indel.
Coding change: c.23_24delinsAT on transcript NM_000030.3 (MANE Select); coding-DNA positions 23 to 24, TG replaced by AT.
Protein change: p.Val8Asp; replaces valine 8 with aspartic acid.
Molecular consequence: missense variant.
Genome position (GRCh38, 1-based): chr2:240,868,888-240,868,889, TG replaced by AT. VCF-style: chr2-240868888-TG-AT. GRCh37 (hg19) VCF-style: chr2-241808305-TG-AT.
Other names: short protein forms V8D.
Identifiers: ClinVar variation 2681152 (VCV002681152.1), dbSNP rs2528738855, ClinGen allele CA2586971624.

ClinVar aggregate classification (germline): Likely pathogenic (1 of 4 stars; one submission).

Conditions:
Primary hyperoxaluria, type I (HP1). Also called: OXALOSIS I; Primary hyperoxaluria type 1; GLYCOLIC ACIDURIA; HEPATIC AGT DEFICIENCY. Identifiers: Orphanet 416, Orphanet 93598, MedGen C0268164, MONDO:0009823, OMIM 259900. Disease mechanism: loss of function.

Submission:

Clinical Biochemistry Laboratory, Health Services Laboratory
Classification: Likely pathogenic for Primary hyperoxaluria, type I. Last evaluated: 2023-10-27. Review status: criteria provided, single submitter. Criteria: ACMG Guidelines, 2015. Collection method: curation. Allele origin: germline. Affected: yes.
Comment: ACMG:PM2 PM5 PP2 PP3

Literature cited by the submitters: PubMed 36185032.